The following is an entry in ClinVar:

NM_000059.4(BRCA2):c.5512G>T (p.Glu1838Ter)

Gene: BRCA2 (BRCA2 DNA repair associated; plus strand). Cytogenetic location: 13q13.1.
Variant type: single nucleotide variant.
Coding change: c.5512G>T on transcript NM_000059.4 (MANE Select); coding-DNA position 5512, G replaced by T.
Protein change: p.Glu1838Ter; replaces glutamic acid 1838 with a stop codon.
Molecular consequence: nonsense.
Genome position (GRCh38, 1-based): chr13:32,339,867, G>T. VCF-style: chr13-32339867-G-T. GRCh37 (hg19) VCF-style: chr13-32914004-G-T.
Other names: short protein forms E1838*.
Identifiers: ClinVar variation 860115 (VCV000860115.9), dbSNP rs2072531117, ClinGen allele CA387785843.
Genomic context (GRCh38, chr13:32,339,867, plus strand): 5'-TCACCCTGCAAAAATAAAAATGCAGCCATTAAATTGTCCATATCTAATAGTAATAATTTT[G>T]AGGTAGGGCCACCTGCATTTAGGATAGCCAGTGGTAAAATCGTTTGTGTTTCACATGAAA-3'

ClinVar aggregate classification (germline): Pathogenic. Review status: criteria provided, multiple submitters, no conflicts (2 of 4 stars). 2 submissions from 2 submitters: Pathogenic (2). Last evaluated 2025-08-08.

Conditions:
Hereditary cancer-predisposing syndrome. Also called: Tumor predisposition; Hereditary neoplastic syndrome; Neoplastic Syndromes, Hereditary; Hereditary Cancer Syndrome. Identifiers: Orphanet 140162, MedGen C0027672, MeSH D009386, MONDO:0015356.
Hereditary breast ovarian cancer syndrome. Also called: Hereditary breast and ovarian cancer; Breast and ovarian cancer; Hereditary breast and/or ovarian cancer syndrome; Hereditary breast and ovarian cancer syndrome; Hereditary breast and ovarian cancer syndrome (HBOC); BRCA1- and BRCA2-Associated Hereditary Breast and Ovarian Cancer. Identifiers: Orphanet 145, MedGen C0677776, MeSH D061325, MONDO:0003582. Disease mechanism: loss of function.

Submissions (2):

Ambry Genetics
Classification: Pathogenic for Hereditary cancer-predisposing syndrome. Last evaluated: 2025-08-08. Review status: criteria provided, single submitter. Criteria: Ambry Variant Classification Scheme 2023. Collection method: clinical testing. Allele origin: germline.
Comment: The p.E1838* pathogenic mutation (also known as c.5512G>T), located in coding exon 10 of the BRCA2 gene, results from a G to T substitution at nucleotide position 5512. This changes the amino acid from a glutamic acid to a stop codon within coding exon 10. This variant is considered to be rare based on population cohorts in the Genome Aggregation Database (gnomAD). This alteration is expected to result in loss of function by premature protein truncation or nonsense-mediated mRNA decay. As such, this alteration is interpreted as a disease-causing mutation.

Labcorp Genetics (formerly Invitae), Labcorp
Classification: Pathogenic for Hereditary breast ovarian cancer syndrome. Last evaluated: 2019-03-22. Review status: criteria provided, single submitter. Criteria: Invitae Variant Classification Sherloc (09022015). Collection method: clinical testing. Allele origin: germline.
Comment: For these reasons, this variant has been classified as Pathogenic. This sequence change creates a premature translational stop signal (p.Glu1838*) in the BRCA2 gene. It is expected to result in an absent or disrupted protein product. Loss-of-function variants in BRCA2 are known to be pathogenic (PMID: 20104584). This variant has not been reported in the literature in individuals with BRCA2-related conditions. This variant is not present in population databases (ExAC no frequency).

Literature cited by the submitters: PubMed 20104584 (cited by Labcorp Genetics (formerly Invitae), Labcorp).